The following is an entry in ClinVar:

ClinVar aggregate classification (germline): Conflicting classifications of pathogenicity. Review status: criteria provided, conflicting classifications (1 of 4 stars). 3 submissions from 3 submitters: Uncertain significance (2); Likely benign (1). Last evaluated 2024-11-24.

Conditions:
Hereditary cancer-predisposing syndrome. Also called: Neoplastic Syndromes, Hereditary; Tumor predisposition; Hereditary neoplastic syndrome; Hereditary Cancer Syndrome. Identifiers: Orphanet 140162, MedGen C0027672, MeSH D009386, MONDO:0015356.
Hereditary breast ovarian cancer syndrome. Also called: Hereditary breast and ovarian cancer syndrome (HBOC); Hereditary breast and ovarian cancer syndrome; Breast and ovarian cancer; Hereditary breast and ovarian cancer; Hereditary breast and/or ovarian cancer syndrome; BRCA1- and BRCA2-Associated Hereditary Breast and Ovarian Cancer. Identifiers: Orphanet 145, MedGen C0677776, MeSH D061325, MONDO:0003582. Disease mechanism: loss of function.

Allele frequency attached by ClinVar (database versions not stated): gnomAD exomes below 0.00001 and 0.00001; TOPMed below 0.00001; ExAC 0.00002; ESP Exome Variant Server 0.00008.

Submissions (3):

Labcorp Genetics (formerly Invitae), Labcorp
Classification: Uncertain significance for Hereditary breast ovarian cancer syndrome. Last evaluated: 2024-11-24. Review status: criteria provided, single submitter. Criteria: Invitae Variant Classification Sherloc (09022015). Collection method: clinical testing. Allele origin: germline.
Comment: This sequence change replaces leucine, which is neutral and non-polar, with phenylalanine, which is neutral and non-polar, at codon 1517 of the BRCA1 protein (p.Leu1517Phe). This variant is present in population databases (rs137894496, gnomAD 0.003%). This variant has not been reported in the literature in individuals affected with BRCA1-related conditions. ClinVar contains an entry for this variant (Variation ID: 661280). Invitae Evidence Modeling of protein sequence and biophysical properties (such as structural, functional, and spatial information, amino acid conservation, physicochemical variation, residue mobility, and thermodynamic stability) indicates that this missense variant is not expected to disrupt BRCA1 protein function with a negative predictive value of 95%. In summary, the available evidence is currently insufficient to determine the role of this variant in disease. Therefore, it has been classified as a Variant of Uncertain Significance.

Color Diagnostics, LLC DBA Color Health
Classification: Likely benign for Hereditary cancer-predisposing syndrome. Last evaluated: 2024-10-15. Review status: criteria provided, single submitter. Criteria: ACMG Guidelines, 2015. Collection method: clinical testing. Allele origin: germline.

Ambry Genetics
Classification: Uncertain significance for Hereditary cancer-predisposing syndrome. Last evaluated: 2024-06-28. Review status: criteria provided, single submitter. Criteria: Ambry Variant Classification Scheme 2023. Collection method: clinical testing. Allele origin: germline.
Comment: The p.L1517F variant (also known as c.4549C>T), located in coding exon 13 of the BRCA1 gene, results from a C to T substitution at nucleotide position 4549. The leucine at codon 1517 is replaced by phenylalanine, an amino acid with highly similar properties. This variant had 132.21% of wildtype activity in a transcription activation assay (Woods NT et al. NPJ Genom Med, 2016 Mar;1:). This amino acid position is well conserved in available vertebrate species. In addition, the in silico prediction for this alteration is inconclusive. Based on the available evidence, the clinical significance of this variant remains unclear.

Literature cited by the submitters: PubMed 28781887 (cited by Ambry Genetics).

NM_007294.4(BRCA1):c.4549C>T (p.Leu1517Phe)

Gene: BRCA1 (BRCA1 DNA repair associated; minus strand). Cytogenetic location: 17q21.31.
Variant type: single nucleotide variant.
Coding change: c.4549C>T on transcript NM_007294.4 (MANE Select); coding-DNA position 4549, C replaced by T.
Protein change: p.Leu1517Phe; replaces leucine 1517 with phenylalanine.
Molecular consequence: missense variant. On other transcripts: non-coding transcript variant (1).
Genome position (GRCh38, 1-based): chr17:43,074,457, G>A on the plus strand (C>T on the coding strand, the complement: BRCA1 is on the minus strand). VCF-style: chr17-43074457-G-A. GRCh37 (hg19) VCF-style: chr17-41226474-G-A.
Other names: c.1234C>T, p.Leu412Phe (NM_001408399.1, NM_001408400.1, NM_001408401.1 and 8 more transcripts); c.1231C>T, p.Leu411Phe (NM_001408406.1, NM_001408407.1, NM_001408408.1); c.1228C>T, p.Leu410Phe (NM_001408409.1); c.1165C>T, p.Leu389Phe (NM_001408410.1); c.1123C>T, p.Leu375Phe (NM_001408418.1, NM_001408419.1, NM_001408420.1); c.1120C>T, p.Leu374Phe (NM_001408421.1, NM_001408422.1, NM_001408423.1 and 1 more transcripts); c.1162C>T, p.Leu388Phe (NM_001408411.1); c.1159C>T, p.Leu387Phe (NM_001408412.1, NM_001408413.1, NM_001408414.1 and 2 more transcripts); and 68 more; short protein forms L1538F, L1470F, L1517F, L413F, L1220F, L1348F, L1445F, L1468F.
Identifiers: ClinVar variation 661280 (VCV000661280.13), dbSNP rs137894496, ClinGen allele CA052506.
Genomic context (GRCh38, chr17:43,074,457, plus strand): 5'-GCTCCTCCACATCAACAACCTTAATGAGCTCCTCTTGAGATGGGTAGTTTCTATTCTGAA[G>A]ACTCCCAGAGCAACTGTGCATGTACCACCTATCATCTAATGATGGGCATTTAGAAGGGGA-3'
Protein context (NP_009225.1, residues 1507-1527): RWYMHSCSGS[Leu1517Phe]QNRNYPSQEE